The following is an entry in ClinVar:

ClinVar aggregate classification (germline): Likely benign (1 of 4 stars; one submission).

Allele frequency attached by ClinVar (database versions not stated): 1000 Genomes Project 0.00319; 1000 Genomes Project 30x 0.00344; TOPMed 0.00564; gnomAD 0.00602; gnomAD exomes 0.00715.
gnomAD v4.1: 2,894 of 431,390 alleles (0.67%); highest among the groups gnomAD compares: Non-Finnish European, 0.91%; 19 homozygotes.

Submission:

CeGaT Center for Human Genetics Tuebingen
Classification: Likely benign. Last evaluated: 2023-05-01. Review status: criteria provided, single submitter. Criteria: CeGaT Center For Human Genetics Tuebingen Variant Classification Criteria Version 2. Collection method: clinical testing. Allele origin: germline. Affected: yes. Observed: 1 variant allele.
Comment: SDR42E2: BS2

NM_001394319.2(SDR42E2):c.56-81A>T

Gene: SDR42E2 (short chain dehydrogenase/reductase family 42E, member 2). Cytogenetic location: 16p12.2.
Variant type: single nucleotide variant.
Coding change: c.56-81A>T on transcript NM_001394319.2 (MANE Select); 81 bases into the intron before coding-DNA position 56, A replaced by T.
Molecular consequence: intron variant. On other transcripts: missense variant (1).
Genome position (GRCh38, 1-based): chr16:22,166,169, A>T. VCF-style: chr16-22166169-A-T. GRCh37 (hg19) VCF-style: chr16-22177490-A-T.
Other names: c.587A>T, p.Glu196Val (NM_001365288.2); short protein forms E196V.
Identifiers: ClinVar variation 2646310 (VCV002646310.24), dbSNP rs79651149, ClinGen allele CA279434203.